The following is an entry in ClinVar:

ClinVar aggregate classification (germline): Conflicting classifications of pathogenicity. Review status: criteria provided, conflicting classifications (1 of 4 stars). 6 submissions from 6 submitters: Uncertain significance (1); Likely benign (3). 2 of the submissions do not count toward it. Last evaluated 2026-01-28.

Conditions:
6-Pyruvoyl-tetrahydrobiopterin synthase deficiency. Also called: PTS DEFICIENCY; HYPERPHENYLALANINEMIA, TETRAHYDROBIOPTERIN-DEFICIENT, DUE TO PTS DEFICIENCY; Hyperphenylalanemia, BH4-deficient, A; Hyperphenylalaninemia due to 6-pyruvoyl-tetrahydropterin synthase deficiency; 6-Pyruvoyltetrahydropterin Synthase Deficiency; BH4-deficient hyperphenylalaninemia A. Identifiers: Orphanet 13, Orphanet 238583, MedGen C0878676, MONDO:0009863, OMIM 261640.
PTS-related disorder. Also called: PTS-related condition.

Allele frequency attached by ClinVar (database versions not stated): ExAC 0.00007; ESP Exome Variant Server 0.00008; gnomAD exomes 0.00009 and 0.00014; TOPMed 0.00017; gnomAD 0.00023 and 0.00026.

Submissions (6):

Labcorp Genetics (formerly Invitae), Labcorp
Classification: Likely benign for 6-Pyruvoyl-tetrahydrobiopterin synthase deficiency. Last evaluated: 2026-01-28. Review status: criteria provided, single submitter. Criteria: Invitae Variant Classification Sherloc (09022015). Collection method: clinical testing. Allele origin: germline.

Blueprint Genetics
Classification: Likely benign. Last evaluated: 2024-07-24. Review status: criteria provided, single submitter. Criteria: ACMG Guidelines, 2015. Collection method: clinical testing. Allele origin: germline.

Genome-Nilou Lab
Classification: Likely benign for 6-Pyruvoyl-tetrahydrobiopterin synthase deficiency. Last evaluated: 2021-09-05. Review status: criteria provided, single submitter. Criteria: ACMG Guidelines, 2015. Collection method: clinical testing. Allele origin: germline. Affected: no.

Illumina Laboratory Services, Illumina
Classification: Uncertain significance for 6-Pyruvoyl-tetrahydrobiopterin synthase deficiency. Last evaluated: 2018-01-13. Review status: criteria provided, single submitter. Criteria: ICSL Variant Classification Criteria 13 December 2019. Collection method: clinical testing. Allele origin: germline.

Natera, Inc.
Classification: Likely benign for 6-Pyruvoyl-tetrahydrobiopterin synthase deficiency. Last evaluated: 2020-04-17. Review status: no assertion criteria provided. Collection method: clinical testing. Allele origin: germline. Not counted in ClinVar's aggregate classification.

PreventionGenetics, part of Exact Sciences
Classification: Likely benign for PTS-related condition. Last evaluated: 2019-04-07. Review status: no assertion criteria provided. Collection method: clinical testing. Allele origin: germline. Not counted in ClinVar's aggregate classification.
Comment: This variant is classified as likely benign based on ACMG/AMP sequence variant interpretation guidelines (Richards et al. 2015 PMID: 25741868, with internal and published modifications).

NM_000317.3(PTS):c.195T>C (p.Pro65=)

Gene: PTS (6-pyruvoyltetrahydropterin synthase; plus strand). Cytogenetic location: 11q23.1.
Variant type: single nucleotide variant.
Coding change: c.195T>C on transcript NM_000317.3 (MANE Select); coding-DNA position 195, T replaced by C.
Protein change: p.Pro65=; no amino-acid change (proline 65 retained).
Molecular consequence: synonymous variant.
Genome position (GRCh38, 1-based): chr11:112,230,634, T>C. VCF-style: chr11-112230634-T-C. GRCh37 (hg19) VCF-style: chr11-112101357-T-C.
Identifiers: ClinVar variation 879174 (VCV000879174.22), dbSNP rs143472856, ClinGen allele CA6278525.